The following is an entry in ClinVar:

ClinVar aggregate classification (germline): Likely pathogenic (1 of 4 stars; one submission).

Conditions:
Enhanced S-cone syndrome (ESCS). Identifiers: Orphanet 53540, MedGen C1849394, MONDO:0100288, MONDO:0009989.

Submission:

Natera, Inc.
Classification: Likely pathogenic for Enhanced S cone syndrome. Last evaluated: 2025-02-04. Review status: criteria provided, single submitter. Criteria: Natera Variant Classification Schema (03/2026). Collection method: clinical testing. Allele origin: germline.
Comment: The c.946delG variant in NR2E3 is a frameshift variant predicted to shift the reading frame beginning at codon 316 and leads to a stop codon 8 codons downstream. This variant is expected to result in nonsense mediated decay, truncation, or a dysfunctional protein product. This variant is rare in the general population with a frequency below the threshold expected for the associated phenotype(s). Given the available evidence, this variant is classified as Likely Pathogenic.

NM_014249.4(NR2E3):c.946del (p.Asp316fs)

Gene: NR2E3 (nuclear receptor subfamily 2 group E member 3; plus strand). Cytogenetic location: 15q23.
Variant type: Deletion.
Coding change: c.946del on transcript NM_014249.4 (MANE Select); coding-DNA position 946, one base deleted (G; older notation c.946delG).
Protein change: p.Asp316fs; shifts the reading frame from aspartic acid 316.
Molecular consequence: frameshift variant.
Genome position (GRCh38, 1-based): chr15:71,813,587, G deleted; the last of 2 consecutive G bases (chr15:71,813,586-71,813,587); deleting either gives the same sequence. VCF-style (leftmost placement, unchanged base first): chr15-71813585-TG-T. GRCh37 (hg19) VCF-style: chr15-72105925-TG-T.
Other names: c.946del, p.Asp316fs (NM_016346.4); short protein forms D316fs.
Identifiers: ClinVar variation 4815623 (VCV004815623.1).
Genomic context (GRCh38, chr15:71,813,585, plus strand): 5'-TGGCCAGCATGGAGACGCGTGTCCTGCAGGAAACTATCTCTCGGTTCCGGGCATTGGCGG[TG>T]GACCCCACGGAGTTTGCCTGCATGAAGGCCTTGGTCCTCTTCAAGCCAGGTAACTGAGTC-3'